The following is an entry in ClinVar:

NM_001367823.1(ARHGEF18):c.1218A>G (p.Glu406=)

Gene: ARHGEF18 (Rho/Rac guanine nucleotide exchange factor 18; plus strand). Cytogenetic location: 19p13.2.
Variant type: single nucleotide variant.
Coding change: c.1218A>G on transcript NM_001367823.1 (MANE Select); coding-DNA position 1218, A replaced by G.
Protein change: p.Glu406=; no amino-acid change (glutamic acid 406 retained).
Molecular consequence: synonymous variant.
Genome position (GRCh38, 1-based): chr19:7,441,764, A>G. VCF-style: chr19-7441764-A-G. GRCh37 (hg19) VCF-style: chr19-7506650-A-G.
Other names: c.492A>G, p.Glu164= (NM_001130955.2); c.180A>G, p.Glu60= (NM_001367824.1, NM_015318.4).
Identifiers: ClinVar variation 2017925 (VCV002017925.4), dbSNP rs2512446694, ClinGen allele CA505222261.

ClinVar aggregate classification (germline): Uncertain significance (1 of 4 stars; one submission).

Submission:

Labcorp Genetics (formerly Invitae), Labcorp
Classification: Uncertain significance. Last evaluated: 2024-11-05. Review status: criteria provided, single submitter. Criteria: Invitae Variant Classification Sherloc (09022015). Collection method: clinical testing. Allele origin: germline.
Comment: This sequence change affects codon 218 of the ARHGEF18 mRNA. It is a 'silent' change, meaning that it does not change the encoded amino acid sequence of the ARHGEF18 protein. It affects a nucleotide within the consensus splice site. This variant is not present in population databases (gnomAD no frequency). This variant has not been reported in the literature in individuals affected with ARHGEF18-related conditions. ClinVar contains an entry for this variant (Variation ID: 2017925). Algorithms developed to predict the effect of sequence changes on RNA splicing suggest that this variant may disrupt the consensus splice site. In summary, the available evidence is currently insufficient to determine the role of this variant in disease. Therefore, it has been classified as a Variant of Uncertain Significance.